The following is an entry in ClinVar:

NM_000245.4(MET):c.1100T>A (p.Ile367Asn)

Gene: MET (MET proto-oncogene, receptor tyrosine kinase; plus strand). Cytogenetic location: 7q31.2.
Variant type: single nucleotide variant.
Coding change: c.1100T>A on transcript NM_000245.4 (MANE Select); coding-DNA position 1100, T replaced by A.
Protein change: p.Ile367Asn; replaces isoleucine 367 with asparagine.
Molecular consequence: missense variant. On other transcripts: intron variant (1).
Genome position (GRCh38, 1-based): chr7:116,700,184, T>A. VCF-style: chr7-116700184-T-A. GRCh37 (hg19) VCF-style: chr7-116340238-T-A.
Other names: c.1100T>A, p.Ile367Asn (NM_001127500.3, NM_001324401.3); c.-91+27607T>A (NM_001324402.2); short protein forms I367N.
Identifiers: ClinVar variation 2764814 (VCV002764814.4), dbSNP rs1293760543, ClinGen allele CA368970533.

ClinVar aggregate classification (germline): Uncertain significance. Review status: criteria provided, multiple submitters, no conflicts (2 of 4 stars). 2 submissions from 2 submitters: Uncertain significance (2). Last evaluated 2024-08-31.

Conditions:
Hereditary cancer-predisposing syndrome. Also called: Hereditary neoplastic syndrome; Neoplastic Syndromes, Hereditary; Hereditary Cancer Syndrome; Tumor predisposition. Identifiers: Orphanet 140162, MedGen C0027672, MeSH D009386, MONDO:0015356.
Renal cell carcinoma. Identifiers: Orphanet 217071, MedGen C0007134, MeSH D002292, MONDO:0005086, HP:0005584.

Submissions (2):

Ambry Genetics
Classification: Uncertain significance for Hereditary cancer-predisposing syndrome. Last evaluated: 2024-08-31. Review status: criteria provided, single submitter. Criteria: Ambry Variant Classification Scheme 2023. Collection method: clinical testing. Allele origin: germline.
Comment: The p.I367N variant (also known as c.1100T>A), located in coding exon 1 of the MET gene, results from a T to A substitution at nucleotide position 1100. The isoleucine at codon 367 is replaced by asparagine, an amino acid with dissimilar properties. This amino acid position is conserved. In addition, this alteration is predicted to be tolerated by in silico analysis. Based on the available evidence, the clinical significance of this variant remains unclear.

Labcorp Genetics (formerly Invitae), Labcorp
Classification: Uncertain significance for Renal cell carcinoma. Last evaluated: 2023-06-04. Review status: criteria provided, single submitter. Criteria: Invitae Variant Classification Sherloc (09022015). Collection method: clinical testing. Allele origin: germline.
Comment: This sequence change replaces isoleucine, which is neutral and non-polar, with asparagine, which is neutral and polar, at codon 367 of the MET protein (p.Ile367Asn). This variant is not present in population databases (gnomAD no frequency). This variant has not been reported in the literature in individuals affected with MET-related conditions. In summary, the available evidence is currently insufficient to determine the role of this variant in disease. Therefore, it has been classified as a Variant of Uncertain Significance. Advanced modeling of protein sequence and biophysical properties (such as structural, functional, and spatial information, amino acid conservation, physicochemical variation, residue mobility, and thermodynamic stability) performed at Invitae indicates that this missense variant is expected to disrupt MET protein function.